The following is an entry in ClinVar:

NM_020919.4(ALS2):c.2487G>A (p.Leu829=)

Gene: ALS2 (alsin Rho guanine nucleotide exchange factor ALS2; minus strand). Cytogenetic location: 2q33.1.
Variant type: single nucleotide variant.
Coding change: c.2487G>A on transcript NM_020919.4 (MANE Select); coding-DNA position 2487, G replaced by A.
Protein change: p.Leu829=; no amino-acid change (leucine 829 retained).
Molecular consequence: synonymous variant.
Genome position (GRCh38, 1-based): chr2:201,733,369, C>T on the plus strand (G>A on the coding strand, the complement: ALS2 is on the minus strand). VCF-style: chr2-201733369-C-T. GRCh37 (hg19) VCF-style: chr2-202598092-C-T.
Identifiers: ClinVar variation 1029791 (VCV001029791.1), dbSNP rs1691690962, ClinGen allele CA430649092.

ClinVar aggregate classification (germline): Uncertain significance (1 of 4 stars; one submission).

Conditions:
Juvenile primary lateral sclerosis (PLSJ). Also called: Juvenile Primary Lateral Sclerosis (JPLS). Identifiers: Orphanet 247604, MedGen C1853396, MONDO:0011663, OMIM 606353.

Allele frequency attached by ClinVar (database versions not stated): gnomAD exomes 0.00001.
gnomAD v4.1: 19 of 1,613,606 alleles (0.0012%); highest among the groups gnomAD compares: Non-Finnish European, 0.0016%; no homozygotes.

Submission:

Baylor Genetics
Classification: Uncertain significance for Juvenile primary lateral sclerosis. Last evaluated: 2019-08-08. Review status: criteria provided, single submitter. Criteria: ACMG Guidelines, 2015. Collection method: clinical testing. Allele origin: unknown. Affected: yes.
Comment: This variant was determined to be of uncertain significance according to ACMG Guidelines, 2015 [PMID:25741868].